The following is an entry in ClinVar:

ClinVar aggregate classification (germline): Uncertain significance. Review status: criteria provided, multiple submitters, no conflicts (2 of 4 stars). 2 submissions from 2 submitters: Uncertain significance (2). Last evaluated 2025-02-11.

Conditions:
Neuronal ceroid lipofuscinosis. Also called: Neuronal Ceroid Lipofuscinoses. Identifiers: Orphanet 216, Orphanet 79263, MedGen C0027877, MONDO:0016295. Disease mechanism: loss of function.

Allele frequency attached by ClinVar (database versions not stated): TOPMed 0.00002.
gnomAD v4.1: 6 of 1,538,718 alleles (0.00039%); highest among the groups gnomAD compares: African/African-American, 0.0084%; no homozygotes.

Submissions (2):

GeneDx
Classification: Uncertain significance. Last evaluated: 2025-02-11. Review status: criteria provided, single submitter. Criteria: GeneDx Variant Classification Process June 2021. Collection method: clinical testing. Allele origin: germline. Affected: yes.
Comment: Not observed at significant frequency in large population cohorts (gnomAD); In silico analysis indicates that this missense variant does not alter protein structure/function; Has not been previously published as pathogenic or benign to our knowledge

Labcorp Genetics (formerly Invitae), Labcorp
Classification: Uncertain significance for Neuronal ceroid lipofuscinosis. Last evaluated: 2021-08-31. Review status: criteria provided, single submitter. Criteria: Invitae Variant Classification Sherloc (09022015). Collection method: clinical testing. Allele origin: germline.
Comment: This sequence change replaces valine with phenylalanine at codon 307 of the CLN6 protein (p.Val307Phe). The valine residue is moderately conserved and there is a small physicochemical difference between valine and phenylalanine. This variant is not present in population databases (ExAC no frequency). This variant has not been reported in the literature in individuals affected with CLN6-related conditions. Algorithms developed to predict the effect of missense changes on protein structure and function are either unavailable or do not agree on the potential impact of this missense change (SIFT: "Deleterious"; PolyPhen-2: "Possibly Damaging"; Align-GVGD: "Class C0"). In summary, the available evidence is currently insufficient to determine the role of this variant in disease. Therefore, it has been classified as a Variant of Uncertain Significance.

NM_017882.3(CLN6):c.919G>T (p.Val307Phe)

Gene: CLN6 (CLN6 transmembrane ER protein; minus strand). Cytogenetic location: 15q23.
Variant type: single nucleotide variant.
Coding change: c.919G>T on transcript NM_017882.3 (MANE Select); coding-DNA position 919, G replaced by T.
Protein change: p.Val307Phe; replaces valine 307 with phenylalanine.
Molecular consequence: missense variant.
Genome position (GRCh38, 1-based): chr15:68,208,157, C>A on the plus strand (G>T on the coding strand, the complement: CLN6 is on the minus strand). VCF-style: chr15-68208157-C-A. GRCh37 (hg19) VCF-style: chr15-68500495-C-A.
Other names: short protein forms V307F.
Identifiers: ClinVar variation 849027 (VCV000849027.6), dbSNP rs146801142, ClinGen allele CA272382668.